The following is an entry in ClinVar:

ClinVar aggregate classification (germline): Pathogenic (1 of 4 stars; one submission).

Conditions:
Bloom syndrome (BLM). Also called: Bloom-Torre-Machacek syndrome. Identifiers: Orphanet 125, MedGen C0005859, MONDO:0008876, OMIM 210900.

Submission:

Labcorp Genetics (formerly Invitae), Labcorp
Classification: Pathogenic for Bloom syndrome. Last evaluated: 2023-03-03. Review status: criteria provided, single submitter. Criteria: Invitae Variant Classification Sherloc (09022015). Collection method: clinical testing. Allele origin: germline.
Comment: This variant has not been reported in the literature in individuals affected with BLM-related conditions. For these reasons, this variant has been classified as Pathogenic. This variant is not present in population databases (gnomAD no frequency). This sequence change creates a premature translational stop signal (p.Gln838Hisfs*18) in the BLM gene. It is expected to result in an absent or disrupted protein product. Loss-of-function variants in BLM are known to be pathogenic (PMID: 17407155).

Literature cited by the submitters: PubMed 17407155.

NM_000057.4(BLM):c.2510_2513dup (p.Gln838fs)

Gene: BLM (BLM RecQ like helicase; plus strand). Cytogenetic location: 15q26.1.
Variant type: Duplication.
Coding change: c.2510_2513dup on transcript NM_000057.4 (MANE Select); coding-DNA positions 2510 to 2513, 4 bases duplicated (TACA; older notation c.2510_2513dupTACA).
Protein change: p.Gln838fs; shifts the reading frame from glutamine 838.
Molecular consequence: frameshift variant.
Genome position (GRCh38, 1-based): chr15:90,769,541-90,769,544, TACA duplicated. VCF-style (leftmost placement, unchanged base first): chr15-90769540-G-GTACA. GRCh37 (hg19) VCF-style: chr15-91312770-G-GTACA.
Other names: c.2510_2513dup, p.Gln838fs (NM_001287246.2, NM_001287247.2); c.1385_1388dup, p.Gln463fs (NM_001287248.2); short protein forms Q463fs, Q838fs.
Identifiers: ClinVar variation 2842740 (VCV002842740.3), dbSNP rs2505457118, ClinGen allele CA2739269774.